The following is an entry in ClinVar:

NM_012469.4(PRPF6):c.2288G>A (p.Arg763Gln)

Gene: PRPF6 (pre-mRNA processing factor 6; plus strand). Cytogenetic location: 20q13.33.
Variant type: single nucleotide variant.
Coding change: c.2288G>A on transcript NM_012469.4 (MANE Select); coding-DNA position 2288, G replaced by A.
Protein change: p.Arg763Gln; replaces arginine 763 with glutamine.
Molecular consequence: missense variant.
Genome position (GRCh38, 1-based): chr20:64,027,685, G>A. VCF-style: chr20-64027685-G-A. GRCh37 (hg19) VCF-style: chr20-62659038-G-A.
Other names: short protein forms R763Q.
Identifiers: ClinVar variation 4995057 (VCV004995057.1).
Genomic context (GRCh38, chr20:64,027,685, plus strand): 5'-CACCCCTGTGGCTTTTGCTCTCTCGGCTGGAGGAGAAGATTGGGCAGCTTACTCGAGCAC[G>A]GGCCATTTTGGAAAAGTCTCGTCTGAAGAACCCAAAGAACCCTGGGCTGTGGTGAGTCCT-3'
Protein context (NP_036601.2, residues 753-773): EEKIGQLTRA[Arg763Gln]AILEKSRLKN

ClinVar aggregate classification (germline): Uncertain significance (1 of 4 stars; one submission).

Conditions:
PRPF6-related disorder. Also called: PRPF6-related condition.

gnomAD v4.1: 1 of 1,614,048 alleles (0.000062%); highest among the groups gnomAD compares: Non-Finnish European, 0.000085%; no homozygotes.

Submission:

PreventionGenetics, part of Exact Sciences
Classification: Uncertain significance for PRPF6-related condition. Last evaluated: 2026-06-08. Review status: criteria provided, single submitter. Criteria: ACMG Guidelines, 2015. Collection method: clinical testing. Allele origin: germline.
Comment: The PRPF6 c.2288G>A variant is predicted to result in the amino acid substitution p.Arg763Gln. To our knowledge, this variant has not been reported in the literature or in a large population database (gnomAD), indicating this variant is rare. At this time, the clinical significance of this variant is uncertain due to the absence of conclusive functional and genetic evidence.